The following is an entry in ClinVar:

ClinVar aggregate classification (germline): Likely pathogenic (1 of 4 stars; one submission).

Conditions:
Primary ciliary dyskinesia. Also called: Ciliary dyskinesia. Identifiers: Orphanet 244, MedGen C0008780, MONDO:0016575, HP:0012265.

gnomAD v4.1: 1 of 1,614,154 alleles (0.000062%); highest among the groups gnomAD compares: African/African-American, 0.0013%; no homozygotes.

Submission:

Labcorp Genetics (formerly Invitae), Labcorp
Classification: Likely pathogenic for Primary ciliary dyskinesia. Last evaluated: 2023-11-10. Review status: criteria provided, single submitter. Criteria: Invitae Variant Classification Sherloc (09022015). Collection method: clinical testing. Allele origin: germline.
Comment: This sequence change replaces glycine, which is neutral and non-polar, with valine, which is neutral and non-polar, at codon 402 of the DNAI1 protein (p.Gly402Val). This variant is not present in population databases (gnomAD no frequency). This variant has not been reported in the literature in individuals affected with DNAI1-related conditions. Advanced modeling of protein sequence and biophysical properties (such as structural, functional, and spatial information, amino acid conservation, physicochemical variation, residue mobility, and thermodynamic stability) performed at Invitae indicates that this missense variant is expected to disrupt DNAI1 protein function with a positive predictive value of 95%. This variant disrupts the p.Gly402 amino acid residue in DNAI1. Other variant(s) that disrupt this residue have been determined to be pathogenic (Invitae). This suggests that this residue is clinically significant, and that variants that disrupt this residue are likely to be disease-causing. In summary, the currently available evidence indicates that the variant is pathogenic, but additional data are needed to prove that conclusively. Therefore, this variant has been classified as Likely Pathogenic.

NM_012144.4(DNAI1):c.1205G>T (p.Gly402Val)

Gene: DNAI1 (dynein axonemal intermediate chain 1; plus strand). Cytogenetic location: 9p13.3.
Variant type: single nucleotide variant.
Coding change: c.1205G>T on transcript NM_012144.4 (MANE Select); coding-DNA position 1205, G replaced by T.
Protein change: p.Gly402Val; replaces glycine 402 with valine.
Molecular consequence: missense variant.
Genome position (GRCh38, 1-based): chr9:34,506,768, G>T. VCF-style: chr9-34506768-G-T. GRCh37 (hg19) VCF-style: chr9-34506766-G-T.
Other names: c.1217G>T, p.Gly406Val (NM_001281428.2); short protein forms G402V, G406V.
Identifiers: ClinVar variation 2694712 (VCV002694712.3), dbSNP rs138954776, ClinGen allele CA373257013.
Genomic context (GRCh38, chr9:34,506,768, plus strand): 5'-GCAACAGCGGCGTCATGTGTCTCGACATCCACGTGGACCACCCCTACCTGGTGGCAGTAG[G>T]CCACTATGACGGCAACGTGGCCATTTACAACCTCAAGAAGCCCCACTCCCAGCCCTCCTT-3'
Protein context (NP_036276.1, residues 392-412): HVDHPYLVAV[Gly402Val]HYDGNVAIYN